The following is an entry in ClinVar:

ClinVar aggregate classification (germline): Uncertain significance (1 of 4 stars; one submission).

Conditions:
Asphyxiating thoracic dystrophy 5 (SRTD5). Also called: SHORT-RIB THORACIC DYSPLASIA 5 WITH OR WITHOUT POLYDACTYLY; SHORT-RIB THORACIC DYSPLASIA 5 WITHOUT POLYDACTYLY. Identifiers: Orphanet 474, MedGen C3280598, MONDO:0013717, OMIM 614376.
Senior-Loken syndrome 8 (SLSN8). Identifiers: Orphanet 3156, MedGen C4225376, MONDO:0014579, OMIM 616307.

Allele frequency attached by ClinVar (database versions not stated): gnomAD exomes below 0.00001; ExAC 0.00001.
gnomAD v4.1: 2 of 1,592,442 alleles (0.00013%); highest among the groups gnomAD compares: Non-Finnish European, 0.00017%; no homozygotes.

Submission:

Labcorp Genetics (formerly Invitae), Labcorp
Classification: Uncertain significance for Senior-Loken syndrome 8; Asphyxiating thoracic dystrophy 5. Last evaluated: 2024-02-23. Review status: criteria provided, single submitter. Criteria: Invitae Variant Classification Sherloc (09022015). Collection method: clinical testing. Allele origin: germline.
Comment: This sequence change replaces arginine, which is basic and polar, with lysine, which is basic and polar, at codon 97 of the WDR19 protein (p.Arg97Lys). This variant also falls at the last nucleotide of exon 4, which is part of the consensus splice site for this exon. The frequency data for this variant in the population databases is considered unreliable, as metrics indicate poor data quality at this position in the gnomAD database. This variant has not been reported in the literature in individuals affected with WDR19-related conditions. ClinVar contains an entry for this variant (Variation ID: 2132592). An algorithm developed to predict the effect of missense changes on protein structure and function (PolyPhen-2) suggests that this variant is likely to be tolerated. Variants that disrupt the consensus splice site are a relatively common cause of aberrant splicing (PMID: 17576681, 9536098). In summary, the available evidence is currently insufficient to determine the role of this variant in disease. Therefore, it has been classified as a Variant of Uncertain Significance.

Literature cited by the submitters: PubMed 17576681; PubMed 9536098.

NM_025132.4(WDR19):c.290G>A (p.Arg97Lys)

Gene: WDR19 (WD repeat domain 19; plus strand). Cytogenetic location: 4p14.
Variant type: single nucleotide variant.
Coding change: c.290G>A on transcript NM_025132.4 (MANE Select); coding-DNA position 290, G replaced by A.
Protein change: p.Arg97Lys; replaces arginine 97 with lysine.
Molecular consequence: missense variant. On other transcripts: 5 prime UTR variant (1).
Genome position (GRCh38, 1-based): chr4:39,189,781, G>A. VCF-style: chr4-39189781-G-A. GRCh37 (hg19) VCF-style: chr4-39191401-G-A.
Other names: c.-75G>A (NM_001317924.2); short protein forms R97K.
Identifiers: ClinVar variation 2132592 (VCV002132592.4), dbSNP rs766718240, ClinGen allele CA2891580.